The following is an entry in ClinVar:

NM_004415.4(DSP):c.2530C>T (p.Gln844Ter)

Gene: DSP (desmoplakin; plus strand). Cytogenetic location: 6p24.3.
Variant type: single nucleotide variant.
Coding change: c.2530C>T on transcript NM_004415.4 (MANE Select); coding-DNA position 2530, C replaced by T.
Protein change: p.Gln844Ter; replaces glutamine 844 with a stop codon.
Molecular consequence: nonsense.
Genome position (GRCh38, 1-based): chr6:7,575,388, C>T. VCF-style: chr6-7575388-C-T. GRCh37 (hg19) VCF-style: chr6-7575621-C-T.
Other names: c.2530C>T, p.Gln844Ter (NM_001008844.3, NM_001319034.2); short protein forms Q844*.
Identifiers: ClinVar variation 2093756 (VCV002093756.4), dbSNP rs2533908578, ClinGen allele CA362681545.
Genomic context (GRCh38, chr6:7,575,388, plus strand): 5'-TTGTTGGCCACTATGAAGACAGAACTACAGAAAGCCCAGCAGATCCACTCTCAGACTTCA[C>T]AGCAGTATCCACTTTATGATCTGGACTTGGGCAAGTTCGGTGAAAAAGTCACACAGCTGA-3'

ClinVar aggregate classification (germline): Pathogenic (1 of 4 stars; one submission).

Conditions:
Arrhythmogenic cardiomyopathy with wooly hair and keratoderma. Also called: Arrhythmogenic cardiomyopathy with woolly hair and keratoderma; Carvajal syndrome; Dilated cardiomyopathy with woolly hair and keratoderma; PALMOPLANTAR KERATODERMA WITH LEFT VENTRICULAR CARDIOMYOPATHY AND WOOLLY HAIR. Identifiers: Orphanet 65282, MedGen C1854063, MONDO:0011581, OMIM 605676.
Arrhythmogenic right ventricular dysplasia 8 (ARVD8). Also called: Arrhythmogenic Right Ventricular Dysplasia/Cardiomyopathy 8; ARRHYTHMOGENIC RIGHT VENTRICULAR DYSPLASIA, FAMILIAL, 8; ARRHYTHMOGENIC RIGHT VENTRICULAR CARDIOMYOPATHY 8. Identifiers: MedGen C1843896, MONDO:0011831, OMIM 607450.

Submission:

Labcorp Genetics (formerly Invitae), Labcorp
Classification: Pathogenic for Arrhythmogenic cardiomyopathy with wooly hair and keratoderma; Arrhythmogenic right ventricular dysplasia 8. Last evaluated: 2025-04-11. Review status: criteria provided, single submitter. Criteria: Invitae Variant Classification Sherloc (09022015). Collection method: clinical testing. Allele origin: germline.
Comment: This sequence change creates a premature translational stop signal (p.Gln844*) in the DSP gene. It is expected to result in an absent or disrupted protein product. Loss-of-function variants in DSP are known to be pathogenic (PMID: 20716751, 24503780, 25227139). This variant is not present in population databases (gnomAD no frequency). This variant has not been reported in the literature in individuals affected with DSP-related conditions. ClinVar contains an entry for this variant (Variation ID: 2093756). For these reasons, this variant has been classified as Pathogenic.

Literature cited by the submitters: PubMed 20716751; PubMed 24503780; PubMed 25227139.